The following is an entry in ClinVar:

ClinVar aggregate classification (germline): Uncertain significance (1 of 4 stars; one submission).

Conditions:
Emery-Dreifuss muscular dystrophy 5, autosomal dominant (EDMD5). Also called: EMERY-DREIFUSS MUSCULAR DYSTROPHY 5. Identifiers: Orphanet 261, MedGen C2751805, MONDO:0013072, OMIM 612999.

Allele frequency attached by ClinVar (database versions not stated): gnomAD 0.00001; ExAC 0.00002.
gnomAD v4.1: 24 of 1,614,214 alleles (0.0015%); highest among the groups gnomAD compares: South Asian, 0.026%; no homozygotes.

Submission:

Labcorp Genetics (formerly Invitae), Labcorp
Classification: Uncertain significance for Emery-Dreifuss muscular dystrophy 5, autosomal dominant. Last evaluated: 2022-07-21. Review status: criteria provided, single submitter. Criteria: Invitae Variant Classification Sherloc (09022015). Collection method: clinical testing. Allele origin: germline.
Comment: In summary, the available evidence is currently insufficient to determine the role of this variant in disease. Therefore, it has been classified as a Variant of Uncertain Significance. Algorithms developed to predict the effect of missense changes on protein structure and function are either unavailable or do not agree on the potential impact of this missense change (SIFT: "Tolerated"; PolyPhen-2: "Probably Damaging"; Align-GVGD: "Class C0"). This variant has not been reported in the literature in individuals affected with SYNE2-related conditions. This variant is present in population databases (rs759481658, gnomAD 0.01%). This sequence change replaces valine, which is neutral and non-polar, with leucine, which is neutral and non-polar, at codon 4322 of the SYNE2 protein (p.Val4322Leu).

NM_182914.3(SYNE2):c.12964G>T (p.Val4322Leu)

Gene: SYNE2 (spectrin repeat containing nuclear envelope protein 2; plus strand). Cytogenetic location: 14q23.2.
Variant type: single nucleotide variant.
Coding change: c.12964G>T on transcript NM_182914.3 (MANE Select); coding-DNA position 12964, G replaced by T.
Protein change: p.Val4322Leu; replaces valine 4322 with leucine.
Molecular consequence: missense variant.
Genome position (GRCh38, 1-based): chr14:64,119,550, G>T. VCF-style: chr14-64119550-G-T. GRCh37 (hg19) VCF-style: chr14-64586268-G-T.
Other names: c.12964G>T, p.Val4322Leu (NM_015180.6); short protein forms V4322L.
Identifiers: ClinVar variation 2198892 (VCV002198892.4), dbSNP rs759481658, ClinGen allele CA7222292.